The following is an entry in ClinVar:

ClinVar aggregate classification (germline): Uncertain significance (1 of 4 stars; one submission).

Conditions:
X-linked distal spinal muscular atrophy type 3. Also called: NEURONOPATHY, DISTAL HEREDITARY MOTOR, X-LINKED; NEUROPATHY, DISTAL HEREDITARY MOTOR, X-LINKED; ATP7A-Related Distal Motor Neuropathy; SPINAL MUSCULAR ATROPHY, DISTAL, X-LINKED RECESSIVE. Identifiers: Orphanet 139557, MedGen C1845359, MONDO:0010338, OMIM 300489.

Allele frequency attached by ClinVar (database versions not stated): gnomAD exomes 0.00001.

Submission:

Institute of Human Genetics, University of Leipzig Medical Center
Classification: Uncertain significance for X-linked distal spinal muscular atrophy type 3. Last evaluated: 2022-04-08. Review status: criteria provided, single submitter. Criteria: ACMG Guidelines, 2015. Collection method: clinical testing. Allele origin: unknown. Affected: yes.
Comment: This variant was identified as hemizygous._x000D_ Criteria applied: PP3

NM_000052.7(ATP7A):c.4136C>T (p.Pro1379Leu)

Gene: ATP7A (ATPase copper transporting alpha; plus strand). Cytogenetic location: Xq21.1.
Variant type: single nucleotide variant.
Coding change: c.4136C>T on transcript NM_000052.7 (MANE Select); coding-DNA position 4136, C replaced by T.
Protein change: p.Pro1379Leu; replaces proline 1379 with leucine.
Molecular consequence: missense variant. On other transcripts: non-coding transcript variant (1).
Genome position (GRCh38, 1-based): chrX:78,045,482, C>T. VCF-style: chrX-78045482-C-T. GRCh37 (hg19) VCF-style: chrX-77300979-C-T.
Other names: c.3902C>T, p.Pro1301Leu (NM_001282224.2); short protein forms P1301L, P1379L.
Identifiers: ClinVar variation 1679158 (VCV001679158.1), dbSNP rs1557238990, ClinGen allele CA413605757.